The following is an entry in ClinVar:

ClinVar aggregate classification (germline): Benign/Likely benign. Review status: criteria provided, multiple submitters, no conflicts (2 of 4 stars). 5 submissions from 5 submitters: Benign (4); Likely benign (1). Last evaluated 2026-02-04.

Conditions:
Hepatic veno-occlusive disease-immunodeficiency syndrome. Also called: Hepatic Veno-Occlusive Disease with Immunodeficiency. Identifiers: Orphanet 79124, MedGen C1856128, MONDO:0009338, OMIM 235550. Disease mechanism: loss of function.

Allele frequency attached by ClinVar (database versions not stated): TOPMed 0.07058; gnomAD 0.07082 and 0.07660; ESP Exome Variant Server 0.07135; 1000 Genomes Project 30x 0.09369; 1000 Genomes Project 0.09665; gnomAD exomes 0.09835 and 0.10203; ExAC 0.10400.
gnomAD v4.1: 155,764 of 1,613,944 alleles (9.7%); highest among the groups gnomAD compares: South Asian, 23%; 9,150 homozygotes.

Submissions (5):

Labcorp Genetics (formerly Invitae), Labcorp
Classification: Benign for Hepatic veno-occlusive disease-immunodeficiency syndrome. Last evaluated: 2026-02-04. Review status: criteria provided, single submitter. Criteria: Invitae Variant Classification Sherloc (09022015). Collection method: clinical testing. Allele origin: germline.

Blueprint Genetics
Classification: Likely benign. Last evaluated: 2024-11-26. Review status: criteria provided, single submitter. Criteria: ACMG Guidelines, 2015. Collection method: clinical testing. Allele origin: germline.

Illumina Laboratory Services, Illumina
Classification: Benign for Hepatic veno-occlusive disease-immunodeficiency syndrome. Last evaluated: 2018-01-13. Review status: criteria provided, single submitter. Criteria: ICSL Variant Classification Criteria 13 December 2019. Collection method: clinical testing. Allele origin: germline.
Comment: This variant was observed in the ICSL laboratory as part of a predisposition screen in an ostensibly healthy population. It had not been previously curated by ICSL or reported in the Human Gene Mutation Database (HGMD: prior to June 1st, 2018), and was therefore a candidate for classification through an automated scoring system. Utilizing variant allele frequency, disease prevalence and penetrance estimates, and inheritance mode, an automated score was calculated to assess if this variant is too frequent to cause the disease. Based on the score and internal cut-off values, a variant classified as benign is not then subjected to further curation. The score for this variant resulted in a classification of benign for this disease.

Laboratory for Molecular Medicine, Mass General Brigham Personalized Medicine
Classification: Benign. Last evaluated: 2016-03-29. Review status: criteria provided, single submitter. Criteria: LMM Criteria. Collection method: clinical testing. Allele origin: germline.
Comment: Variant identified in a genome or exome case(s) and assessed due to predicted null impact of the variant or pathogenic assertions in the literature or databases. Disclaimer: This variant has not undergone full assessment. The following are preliminary notes: MAF

Breakthrough Genomics
Classification: Benign. Review status: criteria provided, single submitter. Criteria: ACMG Guidelines, 2015. Collection method: not provided. Allele origin: germline. Inheritance: Autosomal recessive inheritance. Affected: yes.

NM_080424.4(SP110):c.383C>T (p.Ala128Val)

Genes: SP110 (SP110 nuclear body protein; minus strand), SP140 (SP140 nuclear body protein; plus strand). Cytogenetic location: 2q37.1.
Variant type: single nucleotide variant.
Coding change: c.383C>T on transcript NM_080424.4 (MANE Select); coding-DNA position 383, C replaced by T.
Protein change: p.Ala128Val; replaces alanine 128 with valine.
Molecular consequence: missense variant.
Genome position (GRCh38, 1-based): chr2:230,212,961, G>A on the plus strand (C>T on the coding strand, the complement: SP110 is on the minus strand). VCF-style: chr2-230212961-G-A. GRCh37 (hg19) VCF-style: chr2-231077676-G-A.
Other names: c.401C>T, p.Ala134Val (NM_001185015.2, NM_001378442.1, NM_001378444.1 and 2 more transcripts); c.383C>T, p.Ala128Val (NM_001378443.1, NM_001378447.1, NM_004509.5 and 1 more transcripts); short protein forms A128V, A134V.
Identifiers: ClinVar variation 334917 (VCV000334917.18), dbSNP rs11556887, ClinGen allele CA2154843.